The following is an entry in ClinVar:

NM_005215.4(DCC):c.3579G>C (p.Gln1193His)

Gene: DCC (DCC netrin 1 receptor; plus strand). Cytogenetic location: 18q21.2.
Variant type: single nucleotide variant.
Coding change: c.3579G>C on transcript NM_005215.4 (MANE Select); coding-DNA position 3579, G replaced by C.
Protein change: p.Gln1193His; replaces glutamine 1193 with histidine.
Molecular consequence: missense variant.
Genome position (GRCh38, 1-based): chr18:53,459,418, G>C. VCF-style: chr18-53459418-G-C. GRCh37 (hg19) VCF-style: chr18-50985788-G-C.
Other names: short protein forms Q1193H.
Identifiers: ClinVar variation 2682308 (VCV002682308.1), dbSNP rs202127302, ClinGen allele CA8967540.

ClinVar aggregate classification (germline): Uncertain significance (1 of 4 stars; one submission).

Allele frequency attached by ClinVar (database versions not stated): gnomAD 0.00007; TOPMed 0.00008; 1000 Genomes Project 30x 0.00016; 1000 Genomes Project 0.00020.
gnomAD v4.1: 17 of 1,613,932 alleles (0.0011%); highest among the groups gnomAD compares: African/African-American, 0.02%; no homozygotes.

Submission:

Women's Health and Genetics/Laboratory Corporation of America, LabCorp
Classification: Uncertain significance. Last evaluated: 2023-11-03. Review status: criteria provided, single submitter. Criteria: LabCorp Variant Classification Summary - May 2015. Collection method: clinical testing. Allele origin: germline.
Comment: Variant summary: DCC c.3579G>C (p.Gln1193His) results in a non-conservative amino acid change located in the Neogenin, C-terminal (IPR010560) of the encoded protein sequence. Four of five in-silico tools predict a damaging effect of the variant on protein function. The variant allele was found at a frequency of 2e-05 in 251200 control chromosomes (gnomAD). The available data on variant occurrences in the general population are insufficient to allow any conclusion about variant significance. To our knowledge, no occurrence of c.3579G>C in individuals affected with Mirror Movements 1 and no experimental evidence demonstrating its impact on protein function have been reported. No submitters have cited clinical-significance assessments for this variant to ClinVar after 2014. Based on the evidence outlined above, the variant was classified as uncertain significance.